The following is an entry in ClinVar:

NM_019112.4(ABCA7):c.499G>T (p.Glu167Ter)

Gene: ABCA7 (ATP binding cassette subfamily A member 7; plus strand). Cytogenetic location: 19p13.3.
Variant type: single nucleotide variant.
Coding change: c.499G>T on transcript NM_019112.4 (MANE Select); coding-DNA position 499, G replaced by T.
Protein change: p.Glu167Ter; replaces glutamic acid 167 with a stop codon.
Molecular consequence: nonsense.
Genome position (GRCh38, 1-based): chr19:1,042,746, G>T. VCF-style: chr19-1042746-G-T. GRCh37 (hg19) VCF-style: chr19-1042745-G-T.
Other names: short protein forms E167*.
Identifiers: ClinVar variation 4979931 (VCV004979931.1).
Genomic context (GRCh38, chr19:1,042,746, plus strand): 5'-AGCGCTGGACCCCTAGTGAGTGTTCAAAATCATTGTCCCCCTTGTGGTCTTTCTCCCCAG[G>T]AATCCCTGGGGTTGGCACTGGGCCAAGCCCAGGAGCCCTTGCACAGCTTGTTGGAGGCCG-3'

ClinVar aggregate classification (germline): Uncertain significance (1 of 4 stars; one submission).

Conditions:
ABCA7-related disorder. Also called: ABCA7-related condition.

Submission:

PreventionGenetics, part of Exact Sciences
Classification: Uncertain significance for ABCA7-related condition. Last evaluated: 2025-09-09. Review status: criteria provided, single submitter. Criteria: ACMG Guidelines, 2015. Collection method: clinical testing. Allele origin: germline.
Comment: The ABCA7 c.499G>T variant is predicted to result in premature protein termination (p.Glu167*). To our knowledge, this variant has not been reported in the literature or in a large population database (gnomAD), indicating this variant is rare. Loss of function is not an established mechanism of ABCA7-related disease. Although we suspect that this variant may be pathogenic, at this time, the clinical significance of this variant is uncertain due to the absence of conclusive functional and genetic evidence.